The following is an entry in ClinVar:

NM_015072.5(TTLL5):c.2711C>T (p.Thr904Ile)

Gene: TTLL5 (tubulin tyrosine ligase like 5; plus strand). Cytogenetic location: 14q24.3.
Variant type: single nucleotide variant.
Coding change: c.2711C>T on transcript NM_015072.5 (MANE Select); coding-DNA position 2711, C replaced by T.
Protein change: p.Thr904Ile; replaces threonine 904 with isoleucine.
Molecular consequence: missense variant.
Genome position (GRCh38, 1-based): chr14:75,783,255, C>T. VCF-style: chr14-75783255-C-T. GRCh37 (hg19) VCF-style: chr14-76249598-C-T.
Other names: short protein forms T904I.
Identifiers: ClinVar variation 1434731 (VCV001434731.8), dbSNP rs768247311, ClinGen allele CA390472213.

ClinVar aggregate classification (germline): Uncertain significance (1 of 4 stars; one submission).

gnomAD v4.1: 1 of 1,614,230 alleles (0.000062%); highest among the groups gnomAD compares: Non-Finnish European, 0.000085%; no homozygotes.

Submission:

Labcorp Genetics (formerly Invitae), Labcorp
Classification: Uncertain significance. Last evaluated: 2021-01-06. Review status: criteria provided, single submitter. Criteria: Invitae Variant Classification Sherloc (09022015). Collection method: clinical testing. Allele origin: germline.
Comment: In summary, the available evidence is currently insufficient to determine the role of this variant in disease. Therefore, it has been classified as a Variant of Uncertain Significance. Algorithms developed to predict the effect of missense changes on protein structure and function (SIFT, PolyPhen-2, Align-GVGD) all suggest that this variant is likely to be tolerated, but these predictions have not been confirmed by published functional studies and their clinical significance is uncertain. This variant has not been reported in the literature in individuals with TTLL5-related conditions. This variant is not present in population databases (ExAC no frequency). This sequence change replaces threonine with isoleucine at codon 904 of the TTLL5 protein (p.Thr904Ile). The threonine residue is weakly conserved and there is a moderate physicochemical difference between threonine and isoleucine.